The following is an entry in ClinVar:

ClinVar aggregate classification (germline): Pathogenic/Likely pathogenic. Review status: criteria provided, multiple submitters, no conflicts (2 of 4 stars). 3 submissions from 3 submitters: Pathogenic (2); Likely pathogenic (1). Last evaluated 2026-03-06.

Conditions:
Long QT syndrome (LQTS). Identifiers: MedGen C0023976, MeSH D008133, MONDO:0002442. Disease mechanism: loss of function. Inheritance: Various modes of inheritance.
Cardiovascular phenotype. Identifiers: MedGen CN230736.

Submissions (3):

Ambry Genetics
Classification: Pathogenic for Cardiovascular phenotype. Last evaluated: 2026-03-06. Review status: criteria provided, single submitter. Criteria: Ambry Variant Classification Scheme 2023. Collection method: clinical testing. Allele origin: germline.
Comment: The c.913_916dupTGGG pathogenic mutation, located in coding exon 6 of the KCNQ1 gene, results from a duplication of TGGG at nucleotide position 913, causing a translational frameshift with a predicted alternate stop codon (p.G306Vfs*158). This variant is considered to be rare based on population cohorts in the Genome Aggregation Database (gnomAD). This alteration is expected to result in loss of function by premature protein truncation or nonsense-mediated mRNA decay. As such, this alteration is interpreted as a disease-causing mutation.

GeneDx
Classification: Likely pathogenic. Last evaluated: 2024-03-02. Review status: criteria provided, single submitter. Criteria: GeneDx Variant Classification Process June 2021. Collection method: clinical testing. Allele origin: germline. Affected: yes.
Comment: Has not been previously published as pathogenic or benign to our knowledge; Frameshift variant predicted to result in protein truncation or nonsense mediated decay in a gene for which loss of function is a known mechanism of disease; Not observed at significant frequency in large population cohorts (gnomAD)

Labcorp Genetics (formerly Invitae), Labcorp
Classification: Pathogenic for Long QT syndrome. Last evaluated: 2024-01-04. Review status: criteria provided, single submitter. Criteria: Invitae Variant Classification Sherloc (09022015). Collection method: clinical testing. Allele origin: germline.
Comment: This sequence change creates a premature translational stop signal (p.Gly306Valfs*158) in the KCNQ1 gene. It is expected to result in an absent or disrupted protein product. Loss-of-function variants in KCNQ1 are known to be pathogenic (PMID: 9323054, 19862833). This variant is not present in population databases (gnomAD no frequency). This variant has not been reported in the literature in individuals affected with KCNQ1-related conditions. ClinVar contains an entry for this variant (Variation ID: 1451451). Algorithms developed to predict the effect of sequence changes on RNA splicing suggest that this variant may disrupt the consensus splice site. For these reasons, this variant has been classified as Pathogenic.

Literature cited by the submitters: PubMed 9323054 (cited by Labcorp Genetics (formerly Invitae), Labcorp); PubMed 19862833 (cited by Labcorp Genetics (formerly Invitae), Labcorp).

NM_000218.3(KCNQ1):c.913_916dup (p.Gly306fs)

Gene: KCNQ1 (potassium voltage-gated channel subfamily Q member 1; plus strand). Cytogenetic location: 11p15.5.
Variant type: Duplication.
Coding change: c.913_916dup on transcript NM_000218.3 (MANE Select); coding-DNA positions 913 to 916, 4 bases duplicated (TGGG; older notation c.913_916dupTGGG).
Protein change: p.Gly306fs; shifts the reading frame from glycine 306.
Molecular consequence: frameshift variant.
Genome position (GRCh38, 1-based): chr11:2,572,978-2,572,981, TGGG duplicated; duplicating any 4 consecutive bases within chr11:2,572,976-2,572,981 gives the same sequence; the c. name uses the placement nearest the transcript's 3' end. VCF-style (leftmost placement, unchanged base first): chr11-2572975-T-TGGTG. GRCh37 (hg19) VCF-style: chr11-2594205-T-TGGTG.
Other names: c.913_916dup, p.Gly306Valfs (NM_001406836.1); c.643_646dup, p.Gly216Valfs (NM_001406837.1); c.532_535dup, p.Gly179Valfs (NM_181798.2); c.913_916dupTGGG (NM_000218.2); short protein forms G179fs, G306fs.
Identifiers: ClinVar variation 1451451 (VCV001451451.10), dbSNP rs2133733054, ClinGen allele CA2573146076.